The following is an entry in ClinVar:

NM_000477.7(ALB):c.1013A>T (p.Asp338Val)

Gene: ALB (albumin; plus strand). Cytogenetic location: 4q13.3.
Variant type: single nucleotide variant.
Coding change: c.1013A>T on transcript NM_000477.7 (MANE Select); coding-DNA position 1013, A replaced by T.
Protein change: p.Asp338Val; replaces aspartic acid 338 with valine.
Molecular consequence: missense variant.
Genome position (GRCh38, 1-based): chr4:73,413,589, A>T. VCF-style: chr4-73413589-A-T. GRCh37 (hg19) VCF-style: chr4-74279306-A-T.
Other names: albumin Brest; short protein forms D338V.
Identifiers: ClinVar variation 156307 (VCV000156307.1), dbSNP rs76242087, ClinGen allele CA170806.

ClinVar aggregate classification (germline): not provided (0 of 4 stars; one submission).

Conditions:
Alloalbuminemia. Identifiers: MedGen CN220290.

Allele frequency attached by ClinVar (database versions not stated): gnomAD exomes below 0.00001.
gnomAD v4.1: 1 of 1,614,174 alleles (0.000062%); highest among the groups gnomAD compares: South Asian, 0.0011%; no homozygotes.

Submission:

ClinVar Staff, National Center for Biotechnology Information (NCBI)
No classification provided. Review status: no classification provided. Collection method: not provided. Allele origin: unknown.
Comment: High fatty acid binding